The following is an entry in ClinVar:

ClinVar aggregate classification (germline): Uncertain significance (1 of 4 stars; one submission).

Conditions:
Developmental and epileptic encephalopathy, 23 (DEE23). Also called: Epileptic encephalopathy, early infantile, 23. Identifiers: Orphanet 411986, MedGen C4014492, MONDO:0014371, OMIM 615859.

Submission:

Labcorp Genetics (formerly Invitae), Labcorp
Classification: Uncertain significance for Developmental and epileptic encephalopathy, 23. Last evaluated: 2022-08-05. Review status: criteria provided, single submitter. Criteria: Invitae Variant Classification Sherloc (09022015). Collection method: clinical testing. Allele origin: germline.
Comment: In summary, the available evidence is currently insufficient to determine the role of this variant in disease. Therefore, it has been classified as a Variant of Uncertain Significance. Algorithms developed to predict the effect of sequence changes on RNA splicing suggest that this variant may disrupt the consensus splice site. Algorithms developed to predict the effect of missense changes on protein structure and function are either unavailable or do not agree on the potential impact of this missense change (SIFT: "Tolerated"; PolyPhen-2: "Possibly Damaging"; Align-GVGD: "Class C0"). This variant has not been reported in the literature in individuals affected with DOCK7-related conditions. This variant is not present in population databases (gnomAD no frequency). This sequence change replaces isoleucine, which is neutral and non-polar, with valine, which is neutral and non-polar, at codon 296 of the DOCK7 protein (p.Ile296Val).

NM_001367561.1(DOCK7):c.886A>G (p.Ile296Val)

Gene: DOCK7 (dedicator of cytokinesis 7; minus strand). Cytogenetic location: 1p31.3.
Variant type: single nucleotide variant.
Coding change: c.886A>G on transcript NM_001367561.1 (MANE Select); coding-DNA position 886, A replaced by G.
Protein change: p.Ile296Val; replaces isoleucine 296 with valine.
Molecular consequence: missense variant.
Genome position (GRCh38, 1-based): chr1:62,634,922, T>C on the plus strand (A>G on the coding strand, the complement: DOCK7 is on the minus strand). VCF-style: chr1-62634922-T-C. GRCh37 (hg19) VCF-style: chr1-63100593-T-C.
Other names: c.886A>G, p.Ile296Val (NM_001271999.2, NM_001272000.2, NM_001272001.2 and 3 more transcripts); short protein forms I296V.
Identifiers: ClinVar variation 1715089 (VCV001715089.6), dbSNP rs1655064852, ClinGen allele CA340622369.